The following is an entry in ClinVar:

ClinVar aggregate classification (germline): Likely benign. Review status: criteria provided, multiple submitters, no conflicts (2 of 4 stars). 2 submissions from 2 submitters: Likely benign (2). Last evaluated 2024-11-04.

Conditions:
Muscular dystrophy-dystroglycanopathy type B6 (MDDGB6). Also called: MUSCULAR DYSTROPHY, CONGENITAL, LARGE-RELATED; MUSCULAR DYSTROPHY, CONGENITAL, TYPE 1D; MUSCULAR DYSTROPHY-DYSTROGLYCANOPATHY (CONGENITAL WITH IMPAIRED INTELLECTUAL DEVELOPMENT), TYPE B, 6. Identifiers: MedGen C1837229, MONDO:0012138, OMIM 608840.

Allele frequency attached by ClinVar (database versions not stated): gnomAD exomes below 0.00001; gnomAD 0.00001.
gnomAD v4.1: 3 of 1,614,052 alleles (0.00019%); highest among the groups gnomAD compares: African/African-American, 0.004%; no homozygotes.

Submissions (2):

Labcorp Genetics (formerly Invitae), Labcorp
Classification: Likely benign for Muscular dystrophy-dystroglycanopathy type B6. Last evaluated: 2024-11-04. Review status: criteria provided, single submitter. Criteria: Invitae Variant Classification Sherloc (09022015). Collection method: clinical testing. Allele origin: germline.

GeneDx
Classification: Likely benign. Last evaluated: 2018-05-29. Review status: criteria provided, single submitter. Criteria: GeneDx Variant Classification (06012015). Collection method: clinical testing. Allele origin: germline. Affected: yes.
Comment: This variant is considered likely benign or benign based on one or more of the following criteria: it is a conservative change, it occurs at a poorly conserved position in the protein, it is predicted to be benign by multiple in silico algorithms, and/or has population frequency not consistent with disease.

NM_133642.5(LARGE1):c.2217C>G (p.Ser739=)

Gene: LARGE1 (LARGE xylosyl- and glucuronyltransferase 1; minus strand). Cytogenetic location: 22q12.3.
Variant type: single nucleotide variant.
Coding change: c.2217C>G on transcript NM_133642.5 (MANE Select); coding-DNA position 2217, C replaced by G.
Protein change: p.Ser739=; no amino-acid change (serine 739 retained).
Molecular consequence: synonymous variant.
Genome position (GRCh38, 1-based): chr22:33,274,481, G>C on the plus strand (C>G on the coding strand, the complement: LARGE1 is on the minus strand). VCF-style: chr22-33274481-G-C. GRCh37 (hg19) VCF-style: chr22-33670467-G-C.
Other names: c.2217C>G, p.Ser739= (NM_001362949.2, NM_001362951.2, NM_001362953.2 and 4 more transcripts); c.2070C>G, p.Ser690= (NM_001378627.1, NM_001378628.1); c.2061C>G, p.Ser687= (NM_001378629.1); c.1614C>G, p.Ser538= (NM_001378630.1); c.1311C>G, p.Ser437= (NM_001378631.1).
Identifiers: ClinVar variation 668696 (VCV000668696.4), dbSNP rs1406330296, ClinGen allele CA514411914.